The following is an entry in ClinVar:

NM_000565.4(IL6R):c.479A>C (p.Asp160Ala)

Gene: IL6R (interleukin 6 receptor; plus strand). Cytogenetic location: 1q21.3.
Variant type: single nucleotide variant.
Coding change: c.479A>C on transcript NM_000565.4 (MANE Select); coding-DNA position 479, A replaced by C.
Protein change: p.Asp160Ala; replaces aspartic acid 160 with alanine.
Molecular consequence: missense variant. On other transcripts: intron variant (1).
Genome position (GRCh38, 1-based): chr1:154,434,539, A>C. VCF-style: chr1-154434539-A-C. GRCh37 (hg19) VCF-style: chr1-154407015-A-C.
Other names: c.479A>C, p.Asp160Ala (NM_001206866.2, NM_001382769.1, NM_001382770.1 and 4 more transcripts); c.127-8A>C (NM_001382774.1); short protein forms D160A.
Identifiers: ClinVar variation 1916559 (VCV001916559.5), dbSNP rs2525496457, ClinGen allele CA342610507.
Genomic context (GRCh38, chr1:154,434,539, plus strand): 5'-AACTGACAGGCAAGCCCTGCCCTTGTTTTGTGTCTAACAGTCAGAACAGTCCGGCCGAAG[A>C]CTTCCAGGAGCCGTGCCAGTATTCCCAGGAGTCCCAGAAGTTCTCCTGCCAGTTAGCAGT-3'
Protein context (NP_000556.1, residues 150-170): VRKFQNSPAE[Asp160Ala]FQEPCQYSQE

ClinVar aggregate classification (germline): Uncertain significance (1 of 4 stars; one submission).

Submission:

Labcorp Genetics (formerly Invitae), Labcorp
Classification: Uncertain significance. Last evaluated: 2024-02-24. Review status: criteria provided, single submitter. Criteria: Invitae Variant Classification Sherloc (09022015). Collection method: clinical testing. Allele origin: germline.
Comment: This sequence change replaces aspartic acid, which is acidic and polar, with alanine, which is neutral and non-polar, at codon 160 of the IL6R protein (p.Asp160Ala). This variant is not present in population databases (gnomAD no frequency). This variant has not been reported in the literature in individuals affected with IL6R-related conditions. ClinVar contains an entry for this variant (Variation ID: 1916559). An algorithm developed to predict the effect of missense changes on protein structure and function (PolyPhen-2) suggests that this variant is likely to be tolerated. In summary, the available evidence is currently insufficient to determine the role of this variant in disease. Therefore, it has been classified as a Variant of Uncertain Significance.